The following is an entry in ClinVar:

NM_002890.3(RASA1):c.2997T>A (p.His999Gln)

Genes: CCNH (cyclin H; minus strand), RASA1 (RAS p21 protein activator 1; plus strand). Cytogenetic location: 5q14.3.
Variant type: single nucleotide variant.
Coding change: c.2997T>A on transcript NM_002890.3 (MANE Select); coding-DNA position 2997, T replaced by A.
Protein change: p.His999Gln; replaces histidine 999 with glutamine.
Molecular consequence: missense variant. On other transcripts: intron variant (1).
Genome position (GRCh38, 1-based): chr5:87,389,464, T>A. VCF-style: chr5-87389464-T-A. GRCh37 (hg19) VCF-style: chr5-86685281-T-A.
Other names: c.2466T>A, p.His822Gln (NM_022650.3); c.933+5580A>T (NM_001364075.2); short protein forms H822Q, H999Q.
Identifiers: ClinVar variation 1483665 (VCV001483665.8), dbSNP rs2112525098, ClinGen allele CA360388288.

ClinVar aggregate classification (germline): Uncertain significance (1 of 4 stars; one submission).

Conditions:
Capillary malformation-arteriovenous malformation syndrome. Also called: Capillary malformation-arteriovenous malformation. Identifiers: Orphanet 137667, MedGen C1842180, MONDO:0012016.

Submission:

Labcorp Genetics (formerly Invitae), Labcorp
Classification: Uncertain significance for Capillary malformation-arteriovenous malformation syndrome. Last evaluated: 2021-04-04. Review status: criteria provided, single submitter. Criteria: Invitae Variant Classification Sherloc (09022015). Collection method: clinical testing. Allele origin: germline.
Comment: In summary, the available evidence is currently insufficient to determine the role of this variant in disease. Therefore, it has been classified as a Variant of Uncertain Significance. Algorithms developed to predict the effect of missense changes on protein structure and function are either unavailable or do not agree on the potential impact of this missense change (SIFT: "Tolerated"; PolyPhen-2: "Probably Damaging"; Align-GVGD: "Class C0"). This variant has not been reported in the literature in individuals with RASA1-related conditions. This variant is not present in population databases (ExAC no frequency). This sequence change replaces histidine with glutamine at codon 999 of the RASA1 protein (p.His999Gln). The histidine residue is highly conserved and there is a small physicochemical difference between histidine and glutamine.